The following is an entry in ClinVar:

NM_178452.6(DNAAF1):c.100G>A (p.Ala34Thr)

Gene: DNAAF1 (dynein axonemal assembly factor 1; plus strand). Cytogenetic location: 16q24.1.
Variant type: single nucleotide variant.
Coding change: c.100G>A on transcript NM_178452.6 (MANE Select); coding-DNA position 100, G replaced by A.
Protein change: p.Ala34Thr; replaces alanine 34 with threonine.
Molecular consequence: missense variant.
Genome position (GRCh38, 1-based): chr16:84,145,540, G>A. VCF-style: chr16-84145540-G-A. GRCh37 (hg19) VCF-style: chr16-84179145-G-A.
Other names: short protein forms A34T.
Identifiers: ClinVar variation 886427 (VCV000886427.5), dbSNP rs1410955894, ClinGen allele CA396938183.

ClinVar aggregate classification (germline): Uncertain significance. Review status: criteria provided, multiple submitters, no conflicts (2 of 4 stars). 2 submissions from 2 submitters: Uncertain significance (2). Last evaluated 2025-05-10.

Conditions:
Primary ciliary dyskinesia 13. Also called: CILIARY DYSKINESIA, PRIMARY, 13, WITH OR WITHOUT SITUS INVERSUS. Identifiers: Orphanet 244, MedGen C2750790, MONDO:0013174, OMIM 613193.
Primary ciliary dyskinesia. Also called: Ciliary dyskinesia. Identifiers: Orphanet 244, MedGen C0008780, MONDO:0016575, HP:0012265.

Allele frequency attached by ClinVar (database versions not stated): gnomAD exomes 0.00002.
gnomAD v4.1: 25 of 1,550,852 alleles (0.0016%); highest among the groups gnomAD compares: East Asian, 0.0024%; no homozygotes.

Submissions (2):

Ambry Genetics
Classification: Uncertain significance for Primary ciliary dyskinesia. Last evaluated: 2025-05-10. Review status: criteria provided, single submitter. Criteria: Ambry Variant Classification Scheme 2023. Collection method: clinical testing. Allele origin: germline.
Comment: The p.A34T variant (also known as c.100G>A), located in coding exon 1 of the DNAAF1 gene, results from a G to A substitution at nucleotide position 100. The alanine at codon 34 is replaced by threonine, an amino acid with similar properties. This amino acid position is conserved. In addition, this alteration is predicted to be tolerated by in silico analysis. Based on the available evidence, the clinical significance of this variant remains unclear.

Illumina Laboratory Services, Illumina
Classification: Uncertain significance for Primary ciliary dyskinesia 13. Last evaluated: 2018-01-15. Review status: criteria provided, single submitter. Criteria: ICSL Variant Classification Criteria 13 December 2019. Collection method: clinical testing. Allele origin: germline.